The following is an entry in ClinVar:

NM_001025616.3(ARHGAP24):c.8A>G (p.Glu3Gly)

Gene: ARHGAP24 (Rho GTPase activating protein 24; plus strand). Cytogenetic location: 4q21.23.
Variant type: single nucleotide variant.
Coding change: c.8A>G on transcript NM_001025616.3 (MANE Select); coding-DNA position 8, A replaced by G.
Protein change: p.Glu3Gly; replaces glutamic acid 3 with glycine.
Molecular consequence: missense variant.
Genome position (GRCh38, 1-based): chr4:85,570,549, A>G. VCF-style: chr4-85570549-A-G. GRCh37 (hg19) VCF-style: chr4-86491702-A-G.
Other names: c.8A>G (NM_001025616.2); short protein forms E3G.
Identifiers: ClinVar variation 2193746 (VCV002193746.5), dbSNP rs150698221, ClinGen allele CA2994306.

ClinVar aggregate classification (germline): Uncertain significance. Review status: criteria provided, multiple submitters, no conflicts (2 of 4 stars). 2 submissions from 2 submitters: Uncertain significance (2). Last evaluated 2025-10-08.

Conditions:
ARHGAP24-related disorder. Also called: ARHGAP24-related condition.

Allele frequency attached by ClinVar (database versions not stated): ExAC 0.00007; gnomAD 0.00015; TOPMed 0.00015; gnomAD exomes 0.00016; ESP Exome Variant Server 0.00046.
gnomAD v4.1: 252 of 1,613,770 alleles (0.016%); highest among the groups gnomAD compares: Non-Finnish European, 0.02%; no homozygotes.

Submissions (2):

Labcorp Genetics (formerly Invitae), Labcorp
Classification: Uncertain significance. Last evaluated: 2025-10-08. Review status: criteria provided, single submitter. Criteria: Invitae Variant Classification Sherloc (09022015). Collection method: clinical testing. Allele origin: germline.
Comment: This sequence change replaces glutamic acid, which is acidic and polar, with glycine, which is neutral and non-polar, at codon 3 of the ARHGAP24 protein (p.Glu3Gly). This variant is present in population databases (rs150698221, gnomAD 0.02%). This variant has not been reported in the literature in individuals affected with ARHGAP24-related conditions. ClinVar contains an entry for this variant (Variation ID: 2193746). An algorithm developed to predict the effect of missense changes on protein structure and function (PolyPhen-2) suggests that this variant is likely to be tolerated. In summary, the available evidence is currently insufficient to determine the role of this variant in disease. Therefore, it has been classified as a Variant of Uncertain Significance.

PreventionGenetics, part of Exact Sciences
Classification: Uncertain significance for ARHGAP24-related condition. Last evaluated: 2025-01-29. Review status: criteria provided, single submitter. Criteria: ACMG Guidelines, 2015. Collection method: clinical testing. Allele origin: germline.
Comment: The ARHGAP24 c.8A>G variant is predicted to result in the amino acid substitution p.Glu3Gly. To our knowledge, this variant has not been reported in the literature. This variant is reported in 0.016% of alleles in individuals of European (Finnish) descent in gnomAD. At this time, the clinical significance of this variant is uncertain due to the absence of conclusive functional and genetic evidence.